The following is an entry in ClinVar:

ClinVar aggregate classification (germline): Uncertain significance. Review status: criteria provided, multiple submitters, no conflicts (2 of 4 stars). 3 submissions from 3 submitters: Uncertain significance (3). Last evaluated 2025-09-29.

Conditions:
CNNM4-related disorder. Also called: CNNM4-related condition.

Allele frequency attached by ClinVar (database versions not stated): ExAC 0.00002; gnomAD 0.00005 and 0.00006; TOPMed 0.00005.
gnomAD v4.1: 146 of 1,614,034 alleles (0.009%); highest among the groups gnomAD compares: Admixed American, 0.028%; no homozygotes.

Submissions (3):

PreventionGenetics, part of Exact Sciences
Classification: Uncertain significance for CNNM4-related condition. Last evaluated: 2025-09-29. Review status: criteria provided, single submitter. Criteria: ACMG Guidelines, 2015. Collection method: clinical testing. Allele origin: germline.
Comment: The CNNM4 c.2314G>A variant is predicted to result in the amino acid substitution p.Glu772Lys. To our knowledge, this variant has not been reported in the literature. This variant is reported in 0.031% of alleles in individuals of Latino descent in gnomAD. At this time, the clinical significance of this variant is uncertain due to the absence of conclusive functional and genetic evidence.

Blueprint Genetics
Classification: Uncertain significance. Last evaluated: 2024-07-11. Review status: criteria provided, single submitter. Criteria: ACMG Guidelines, 2015. Collection method: clinical testing. Allele origin: germline.

Labcorp Genetics (formerly Invitae), Labcorp
Classification: Uncertain significance. Last evaluated: 2022-10-25. Review status: criteria provided, single submitter. Criteria: Invitae Variant Classification Sherloc (09022015). Collection method: clinical testing. Allele origin: germline.
Comment: This sequence change replaces glutamic acid, which is acidic and polar, with lysine, which is basic and polar, at codon 772 of the CNNM4 protein (p.Glu772Lys). This variant is present in population databases (rs777938752, gnomAD 0.03%). This variant has not been reported in the literature in individuals affected with CNNM4-related conditions. ClinVar contains an entry for this variant (Variation ID: 1381447). Algorithms developed to predict the effect of missense changes on protein structure and function (SIFT, PolyPhen-2, Align-GVGD) all suggest that this variant is likely to be tolerated. In summary, the available evidence is currently insufficient to determine the role of this variant in disease. Therefore, it has been classified as a Variant of Uncertain Significance.

NM_020184.4(CNNM4):c.2314G>A (p.Glu772Lys)

Gene: CNNM4 (cyclin and CBS domain divalent metal cation transport mediator 4; plus strand). Cytogenetic location: 2q11.2.
Variant type: single nucleotide variant.
Coding change: c.2314G>A on transcript NM_020184.4 (MANE Select); coding-DNA position 2314, G replaced by A.
Protein change: p.Glu772Lys; replaces glutamic acid 772 with lysine.
Molecular consequence: missense variant.
Genome position (GRCh38, 1-based): chr2:96,809,503, G>A. VCF-style: chr2-96809503-G-A. GRCh37 (hg19) VCF-style: chr2-97475240-G-A.
Other names: c.2314G>A (NM_020184.3); short protein forms E772K.
Identifiers: ClinVar variation 1381447 (VCV001381447.5), dbSNP rs777938752, ClinGen allele CA1783639.